The following is an entry in ClinVar:

NM_001042492.3(NF1):c.2813A>C (p.Lys938Thr)

Gene: NF1 (neurofibromin 1; plus strand). Cytogenetic location: 17q11.2.
Variant type: single nucleotide variant.
Coding change: c.2813A>C on transcript NM_001042492.3 (MANE Select); coding-DNA position 2813, A replaced by C.
Protein change: p.Lys938Thr; replaces lysine 938 with threonine.
Molecular consequence: missense variant.
Genome position (GRCh38, 1-based): chr17:31,229,428, A>C. VCF-style: chr17-31229428-A-C. GRCh37 (hg19) VCF-style: chr17-29556446-A-C.
Other names: c.2813A>C, p.Lys938Thr (NM_000267.4); short protein forms K938T.
Identifiers: ClinVar variation 3237698 (VCV003237698.1), dbSNP rs2151429744.

ClinVar aggregate classification (germline): Uncertain significance (1 of 4 stars; one submission).

Conditions:
Hereditary cancer-predisposing syndrome. Also called: Neoplastic Syndromes, Hereditary; Tumor predisposition; Hereditary neoplastic syndrome; Hereditary Cancer Syndrome. Identifiers: Orphanet 140162, MedGen C0027672, MeSH D009386, MONDO:0015356.
Cardiovascular phenotype. Identifiers: MedGen CN230736.

Submission:

Ambry Genetics
Classification: Uncertain significance for Cardiovascular phenotype; Hereditary cancer-predisposing syndrome. Last evaluated: 2023-12-02. Review status: criteria provided, single submitter. Criteria: Ambry Variant Classification Scheme 2023. Collection method: clinical testing. Allele origin: germline.
Comment: The p.K938T variant (also known as c.2813A>C), located in coding exon 21 of the NF1 gene, results from an A to C substitution at nucleotide position 2813. The lysine at codon 938 is replaced by threonine, an amino acid with similar properties. This amino acid position is conserved. In addition, this alteration is predicted to be tolerated by in silico analysis. Since supporting evidence is limited at this time, the clinical significance of this alteration remains unclear.